The following is an entry in ClinVar:

ClinVar aggregate classification (germline): Uncertain significance (1 of 4 stars; one submission).

Conditions:
Cardiovascular phenotype. Identifiers: MedGen CN230736.

gnomAD v4.1: 1 of 1,613,930 alleles (0.000062%); highest among the groups gnomAD compares: South Asian, 0.0011%; no homozygotes.

Submission:

Ambry Genetics
Classification: Uncertain significance for Cardiovascular phenotype. Last evaluated: 2025-10-06. Review status: criteria provided, single submitter. Criteria: Ambry Variant Classification Scheme 2023. Collection method: clinical testing. Allele origin: germline.
Comment: The c.1245C>T variant (also known as p.G415G), located in coding exon 6 of the ALMS1 gene, results from a C to T substitution at nucleotide position 1245. This nucleotide substitution does not change the amino acid at codon 415. This nucleotide position is well conserved in available vertebrate species. In silico splice site analysis for this alteration is inconclusive. Based on the available evidence, the clinical significance of this variant remains unclear.

NM_001378454.1(ALMS1):c.1242C>T (p.Gly414=)

Gene: ALMS1 (ALMS1 centrosome and basal body associated protein; plus strand). Cytogenetic location: 2p13.1.
Variant type: single nucleotide variant.
Coding change: c.1242C>T on transcript NM_001378454.1 (MANE Select); coding-DNA position 1242, C replaced by T.
Protein change: p.Gly414=; no amino-acid change (glycine 414 retained).
Molecular consequence: synonymous variant.
Genome position (GRCh38, 1-based): chr2:73,426,457, C>T. VCF-style: chr2-73426457-C-T. GRCh37 (hg19) VCF-style: chr2-73653585-C-T.
Other names: c.1245C>T, p.Gly415= (NM_015120.4).
Identifiers: ClinVar variation 4613464 (VCV004613464.1).